The following is an entry in ClinVar:

ClinVar aggregate classification (germline): Uncertain significance (1 of 4 stars; one submission).

Conditions:
Hereditary cancer-predisposing syndrome. Also called: Neoplastic Syndromes, Hereditary; Tumor predisposition; Hereditary Cancer Syndrome; Hereditary neoplastic syndrome. Identifiers: Orphanet 140162, MedGen C0027672, MeSH D009386, MONDO:0015356.

gnomAD v4.1: 1 of 1,613,720 alleles (0.000062%); no homozygotes.

Submission:

Ambry Genetics
Classification: Uncertain significance for Hereditary cancer-predisposing syndrome. Last evaluated: 2022-06-04. Review status: criteria provided, single submitter. Criteria: Ambry Variant Classification Scheme 2023. Collection method: clinical testing. Allele origin: germline.
Comment: The p.P2622H variant (also known as c.7865C>A), located in coding exon 15 of the APC gene, results from a C to A substitution at nucleotide position 7865. The proline at codon 2622 is replaced by histidine, an amino acid with similar properties. This amino acid position is conserved. In addition, in silico predictors for this gene do not accurately predict pathogenicity. Since supporting evidence is limited at this time, the clinical significance of this alteration remains unclear.

NM_000038.6(APC):c.7865C>A (p.Pro2622His)

Gene: APC (APC regulator of Wnt signaling pathway; plus strand). Cytogenetic location: 5q22.2.
Variant type: single nucleotide variant.
Coding change: c.7865C>A on transcript NM_000038.6 (MANE Select); coding-DNA position 7865, C replaced by A.
Protein change: p.Pro2622His; replaces proline 2622 with histidine.
Molecular consequence: missense variant.
Genome position (GRCh38, 1-based): chr5:112,843,459, C>A. VCF-style: chr5-112843459-C-A. GRCh37 (hg19) VCF-style: chr5-112179156-C-A.
Other names: c.7865C>A, p.Pro2622His (NM_001127510.3, NM_001354895.2, NM_001407450.1); c.7811C>A, p.Pro2604His (NM_001127511.3); c.7919C>A, p.Pro2640His (NM_001354896.2, NM_001407447.1, NM_001407448.1 and 1 more transcripts); c.7895C>A, p.Pro2632His (NM_001354897.2); c.7790C>A, p.Pro2597His (NM_001354898.2); c.7781C>A, p.Pro2594His (NM_001354899.2); c.7742C>A, p.Pro2581His (NM_001354900.2); c.7688C>A, p.Pro2563His (NM_001354901.2, NM_001407453.1); and 11 more; short protein forms P2339H, P2531H, P2563H, P2612H, P2238H, P2496H, P2521H, P2594H.
Identifiers: ClinVar variation 1760934 (VCV001760934.2), dbSNP rs267600320, ClinGen allele CA16038422.